The following is an entry in ClinVar:

NM_004304.5(ALK):c.1708G>A (p.Glu570Lys)

Gene: ALK (ALK receptor tyrosine kinase; minus strand). Cytogenetic location: 2p23.2.
Variant type: single nucleotide variant.
Coding change: c.1708G>A on transcript NM_004304.5 (MANE Select); coding-DNA position 1708, G replaced by A.
Protein change: p.Glu570Lys; replaces glutamic acid 570 with lysine.
Molecular consequence: missense variant.
Genome position (GRCh38, 1-based): chr2:29,296,997, C>T on the plus strand (G>A on the coding strand, the complement: ALK is on the minus strand). VCF-style: chr2-29296997-C-T. GRCh37 (hg19) VCF-style: chr2-29519863-C-T.
Other names: short protein forms E570K.
Identifiers: ClinVar variation 3654875 (VCV003654875.2).

ClinVar aggregate classification (germline): Uncertain significance (1 of 4 stars; one submission).

Conditions:
Neuroblastoma, susceptibility to, 3. Also called: ALK-Related Neuroblastic Tumor Susceptibility. Identifiers: Orphanet 635, MedGen C2751681, MONDO:0013083, OMIM 613014.

gnomAD v4.1: 2 of 1,614,168 alleles (0.00012%); highest among the groups gnomAD compares: African/African-American, 0.0027%; no homozygotes.

Submission:

Labcorp Genetics (formerly Invitae), Labcorp
Classification: Uncertain significance for Neuroblastoma, susceptibility to, 3. Last evaluated: 2024-05-28. Review status: criteria provided, single submitter. Criteria: Invitae Variant Classification Sherloc (09022015). Collection method: clinical testing. Allele origin: germline.
Comment: This sequence change replaces glutamic acid, which is acidic and polar, with lysine, which is basic and polar, at codon 570 of the ALK protein (p.Glu570Lys). This variant is not present in population databases (gnomAD no frequency). This variant has not been reported in the literature in individuals affected with ALK-related conditions. An algorithm developed to predict the effect of missense changes on protein structure and function (PolyPhen-2) suggests that this variant is likely to be disruptive. In summary, the available evidence is currently insufficient to determine the role of this variant in disease. Therefore, it has been classified as a Variant of Uncertain Significance.